The following is an entry in ClinVar:

ClinVar aggregate classification (germline): Uncertain significance (1 of 4 stars; one submission).

Conditions:
Bailey-Bloch congenital myopathy (CMYO13). Also called: Congenital myopathy 13; Native American myopathy; STAC3 disorder. Identifiers: Orphanet 168572, MedGen C1850625, MONDO:0009722, OMIM 255995.

gnomAD v4.1: 14 of 1,613,964 alleles (0.00087%); highest among the groups gnomAD compares: East Asian, 0.0022%; no homozygotes.

Submission:

Labcorp Genetics (formerly Invitae), Labcorp
Classification: Uncertain significance for Bailey-Bloch congenital myopathy. Last evaluated: 2024-06-21. Review status: criteria provided, single submitter. Criteria: Invitae Variant Classification Sherloc (09022015). Collection method: clinical testing. Allele origin: germline.
Comment: This sequence change falls in intron 2 of the STAC3 gene. It does not directly change the encoded amino acid sequence of the STAC3 protein. It affects a nucleotide within the consensus splice site. This variant is present in population databases (rs747590831, gnomAD 0.004%). This variant has not been reported in the literature in individuals affected with STAC3-related conditions. Variants that disrupt the consensus splice site are a relatively common cause of aberrant splicing (PMID: 17576681, 9536098). Algorithms developed to predict the effect of sequence changes on RNA splicing suggest that this variant is not likely to affect RNA splicing. In summary, the available evidence is currently insufficient to determine the role of this variant in disease. Therefore, it has been classified as a Variant of Uncertain Significance.

Literature cited by the submitters: PubMed 17576681; PubMed 9536098.

NM_145064.3(STAC3):c.66+3G>A

Gene: STAC3 (SH3 and cysteine rich domain 3; minus strand). Cytogenetic location: 12q13.3.
Variant type: single nucleotide variant.
Coding change: c.66+3G>A on transcript NM_145064.3 (MANE Select); 3 bases into the intron after coding-DNA position 66, G replaced by A.
Molecular consequence: intron variant.
Genome position (GRCh38, 1-based): chr12:57,249,568, C>T on the plus strand (G>A on the coding strand, the complement: STAC3 is on the minus strand). VCF-style: chr12-57249568-C-T. GRCh37 (hg19) VCF-style: chr12-57643351-C-T.
Other names: c.-126-1370G>A (NM_001286257.2); c.-51-260G>A (NM_001286256.2).
Identifiers: ClinVar variation 3669017 (VCV003669017.2).